The following is an entry in ClinVar:

NM_001145026.2(PTPRQ):c.3081G>T (p.Trp1027Cys)

Gene: PTPRQ (protein tyrosine phosphatase receptor type Q; plus strand). Cytogenetic location: 12q21.31.
Variant type: single nucleotide variant.
Coding change: c.3081G>T on transcript NM_001145026.2 (MANE Select); coding-DNA position 3081, G replaced by T.
Protein change: p.Trp1027Cys; replaces tryptophan 1027 with cysteine.
Molecular consequence: missense variant.
Genome position (GRCh38, 1-based): chr12:80,539,871, G>T. VCF-style: chr12-80539871-G-T. GRCh37 (hg19) VCF-style: chr12-80933650-G-T.
Other names: short protein forms W1027C.
Identifiers: ClinVar variation 3357783 (VCV003357783.1).

ClinVar aggregate classification (germline): Uncertain significance (0 of 4 stars; one submission).

Conditions:
PTPRQ-related disorder. Also called: PTPRQ-related condition.

Submission:

PreventionGenetics, part of Exact Sciences
Classification: Uncertain significance for PTPRQ-related condition. Last evaluated: 2024-07-25. Review status: no assertion criteria provided. Collection method: clinical testing. Allele origin: germline.
Comment: The PTPRQ c.3081G>T variant is predicted to result in the amino acid substitution p.Trp1027Cys. To our knowledge, this variant has not been reported in the literature or in a large population database, indicating this variant is rare. At this time, the clinical significance of this variant is uncertain due to the absence of conclusive functional and genetic evidence.